The following is an entry in ClinVar:

NM_024898.4(DENND1C):c.461C>A (p.Thr154Lys)

Gene: DENND1C (DENN domain containing 1C; minus strand). Cytogenetic location: 19p13.3.
Variant type: single nucleotide variant.
Coding change: c.461C>A on transcript NM_024898.4 (MANE Select); coding-DNA position 461, C replaced by A.
Protein change: p.Thr154Lys; replaces threonine 154 with lysine.
Molecular consequence: missense variant.
Genome position (GRCh38, 1-based): chr19:6,477,270, G>T on the plus strand (C>A on the coding strand, the complement: DENND1C is on the minus strand). VCF-style: chr19-6477270-G-T. GRCh37 (hg19) VCF-style: chr19-6477281-G-T.
Other names: c.329C>A, p.Thr110Lys (NM_001290331.2); short protein forms T110K, T154K.
Identifiers: ClinVar variation 2649136 (VCV002649136.24), dbSNP rs201079481, ClinGen allele CA9126989.
Genomic context (GRCh38, chr19:6,477,270, plus strand): 5'-CCGCTCACCGGCTTGCTATTCCCCCGGGTAGGGGGGGGGATACCCTGCCCGCTGGAGACC[G>T]TCACTCCGCTGCCCTGGGGAAGAGGCACGACTCTGTGGTCATGATGGCTGGGACGCAGCC-3'
Protein context (NP_079174.2, residues 144-164): SVGLELGSGV[Thr154Lys]VSSGQGIPPP

ClinVar aggregate classification (germline): Likely benign (1 of 4 stars; one submission).

Allele frequency attached by ClinVar (database versions not stated): 1000 Genomes Project 0.00100; 1000 Genomes Project 30x 0.00109; gnomAD 0.00261; ESP Exome Variant Server 0.00395.

Submission:

CeGaT Center for Human Genetics Tuebingen
Classification: Likely benign. Last evaluated: 2022-11-01. Review status: criteria provided, single submitter. Criteria: CeGaT Center For Human Genetics Tuebingen Variant Classification Criteria Version 2. Collection method: clinical testing. Allele origin: germline. Affected: yes. Observed: 1 variant allele.
Comment: DENND1C: BP4, BS2